The following is an entry in ClinVar:

ClinVar aggregate classification (germline): Likely pathogenic (1 of 4 stars; one submission).

Conditions:
Severe X-linked myotubular myopathy (CNMX). Also called: MYOTUBULAR MYOPATHY 1; Myotubular myopathy, X-linked; X-linked centronuclear myopathy. Identifiers: Orphanet 596, MedGen C0410203, MONDO:0010683, OMIM 310400.

Submission:

Kariminejad - Najmabadi Pathology & Genetics Center
Classification: Likely pathogenic for Severe X-linked myotubular myopathy. Last evaluated: 2021-08-24. Review status: criteria provided, single submitter. Criteria: ACMG Guidelines, 2015. Collection method: clinical testing. Allele origin: germline. Inheritance: X-linked inheritance. Affected: yes.
Comment: PVS1, PM2

NM_000252.3(MTM1):c.205_209del (p.Arg69fs)

Gene: MTM1 (myotubularin 1; plus strand). Cytogenetic location: Xq28.
Variant type: Deletion.
Coding change: c.205_209del on transcript NM_000252.3 (MANE Select); coding-DNA positions 205 to 209, 5 bases deleted (CGTCT; older notation c.205_209delCGTCT).
Protein change: p.Arg69fs; shifts the reading frame from arginine 69.
Molecular consequence: frameshift variant.
Genome position (GRCh38, 1-based): chrX:150,598,660-150,598,664, CGTCT deleted; deleting any 5 consecutive bases within chrX:150,598,659-150,598,664 gives the same sequence; the c. name uses the placement nearest the transcript's 3' end. VCF-style (leftmost placement, unchanged base first): chrX-150598658-ATCGTC-A. GRCh37 (hg19) VCF-style: chrX-149767122-ATCGTC-A.
Other names: c.205_209del, p.Arg69fs (NM_001376906.1, NM_001376907.1, NM_001376908.1); short protein forms R69fs.
Identifiers: ClinVar variation 3896918 (VCV003896918.1).
Genomic context (GRCh38, chrX:150,598,658, plus strand): 5'-AAGTTATTTACATATGTCCTTTCAATGGCCCCATTAAGGGAAGAGTTTACATCACAAATT[ATCGTC>A]TTTATTTAAGAAGTTTGGAAACGGTAAGTAGAATATAAGACCATAAAGATGACCCTAACT-3'